The following is an entry in ClinVar:

NM_001375524.1(TRRAP):c.10121A>G (p.Asp3374Gly)

Gene: TRRAP (transformation/transcription domain associated protein; plus strand). Cytogenetic location: 7q22.1.
Variant type: single nucleotide variant.
Coding change: c.10121A>G on transcript NM_001375524.1 (MANE Select); coding-DNA position 10121, A replaced by G.
Protein change: p.Asp3374Gly; replaces aspartic acid 3374 with glycine.
Molecular consequence: missense variant.
Genome position (GRCh38, 1-based): chr7:98,994,660, A>G. VCF-style: chr7-98994660-A-G. GRCh37 (hg19) VCF-style: chr7-98592283-A-G.
Other names: c.10079A>G, p.Asp3360Gly (NM_001244580.2); c.9992A>G, p.Asp3331Gly (NM_003496.4); short protein forms D3331G, D3360G, D3374G.
Identifiers: ClinVar variation 1713494 (VCV001713494.5), dbSNP rs2485014740, ClinGen allele CA368332437.

ClinVar aggregate classification (germline): Uncertain significance (1 of 4 stars; one submission).

Submission:

Labcorp Genetics (formerly Invitae), Labcorp
Classification: Uncertain significance. Last evaluated: 2022-07-28. Review status: criteria provided, single submitter. Criteria: Invitae Variant Classification Sherloc (09022015). Collection method: clinical testing. Allele origin: germline.
Comment: In summary, the available evidence is currently insufficient to determine the role of this variant in disease. Therefore, it has been classified as a Variant of Uncertain Significance. Algorithms developed to predict the effect of missense changes on protein structure and function are either unavailable or do not agree on the potential impact of this missense change (SIFT: "Tolerated"; PolyPhen-2: "Possibly Damaging"; Align-GVGD: "Class C0"). This variant has not been reported in the literature in individuals affected with TRRAP-related conditions. This variant is not present in population databases (gnomAD no frequency). This sequence change replaces aspartic acid, which is acidic and polar, with glycine, which is neutral and non-polar, at codon 3331 of the TRRAP protein (p.Asp3331Gly).